The following is an entry in ClinVar:

NM_007294.4(BRCA1):c.2329del (p.Tyr777fs)

Gene: BRCA1 (BRCA1 DNA repair associated; minus strand). Cytogenetic location: 17q21.31.
Variant type: Deletion.
Coding change: c.2329del on transcript NM_007294.4 (MANE Select); coding-DNA position 2329, one base deleted (T; older notation c.2329delT).
Protein change: p.Tyr777fs; shifts the reading frame from tyrosine 777.
Molecular consequence: frameshift variant. On other transcripts: intron variant (137).
Genome position (GRCh38, 1-based): chr17:43,093,202, A deleted on the plus strand (T on the coding strand, the reverse complement: BRCA1 is on the minus strand); the first of 2 consecutive A bases (chr17:43,093,202-43,093,203); deleting either gives the same sequence. VCF-style (leftmost placement, unchanged base first): chr17-43093201-TA-T. GRCh37 (hg19) VCF-style: chr17-41245218-TA-T.
Other names: 2448delT; c.2329delT (NM_007294.3); c.1996del, p.Tyr666fs (NM_001407952.1, NM_001407953.1, NM_001407957.1 and 6 more transcripts); c.1993del, p.Tyr665fs (NM_001407954.1, NM_001407955.1, NM_001407956.1 and 1 more transcripts); c.1948del, p.Tyr650fs (NM_001407959.1, NM_001407960.1, NM_001407963.1); c.1945del, p.Tyr649fs (NM_001407962.1); c.2185del, p.Tyr729fs (NM_001407964.1, NM_001407740.1, NM_001407741.1 and 20 more transcripts); c.1825del, p.Tyr609fs (NM_001407965.1); and 43 more; short protein forms Y730fs, Y777fs, Y649fs, Y666fs, Y709fs, Y735fs, Y736fs, Y774fs.
Identifiers: ClinVar variation 54536 (VCV000054536.21), dbSNP rs80357725, ClinGen allele CA001553.
Genomic context (GRCh38, chr17:43,093,201, plus strand): 5'-TCTGTTTTTGCCTTCCCTAGAGTGCTAACTTCCAGTAACGAGATACTTTCCTGAGTGCCA[TA>T]ATCAGTACCAGGTACCAATGAAATACTGCTACTCTCTACAGATCTTTCAGTTTGCAAAAC-3'

ClinVar aggregate classification (germline): Pathogenic. Review status: reviewed by expert panel (3 of 4 stars). 7 submissions from 7 submitters: Pathogenic (1). 6 of the submissions do not count toward it. Last evaluated 2016-09-08.

Conditions:
Hereditary cancer-predisposing syndrome. Also called: Tumor predisposition; Neoplastic Syndromes, Hereditary; Hereditary Cancer Syndrome; Hereditary neoplastic syndrome. Identifiers: Orphanet 140162, MedGen C0027672, MeSH D009386, MONDO:0015356.
Hereditary breast ovarian cancer syndrome. Also called: Hereditary breast and ovarian cancer syndrome (HBOC); Hereditary breast and ovarian cancer syndrome; Hereditary breast and ovarian cancer; Hereditary breast and/or ovarian cancer syndrome; Breast and ovarian cancer; BRCA1- and BRCA2-Associated Hereditary Breast and Ovarian Cancer. Identifiers: Orphanet 145, MedGen C0677776, MeSH D061325, MONDO:0003582. Disease mechanism: loss of function.
Breast-ovarian cancer, familial, susceptibility to, 1 (BROVCA1). Also called: OVARIAN CANCER, SUSCEPTIBILITY TO; BRCA1 Hereditary Breast and Ovarian Cancer. Identifiers: Orphanet 145, MedGen C2676676, MONDO:0011450, OMIM 604370. Disease mechanism: loss of function.

Submissions (7):

Evidence-based Network for the Interpretation of Germline Mutant Alleles (ENIGMA)
Classification: Pathogenic for Breast-ovarian cancer, familial, susceptibility to, 1. Last evaluated: 2016-09-08. Review status: reviewed by expert panel. Criteria: ENIGMA BRCA1/2 Classification Criteria (2015). Collection method: curation. Allele origin: germline.
Comment: Variant allele predicted to encode a truncated non-functional protein.

Labcorp Genetics (formerly Invitae), Labcorp
Classification: Pathogenic for Hereditary breast ovarian cancer syndrome. Last evaluated: 2024-06-06. Review status: criteria provided, single submitter. Criteria: Invitae Variant Classification Sherloc (09022015). Collection method: clinical testing. Allele origin: germline. Not counted in ClinVar's aggregate classification.
Comment: This sequence change creates a premature translational stop signal (p.Tyr777Metfs*15) in the BRCA1 gene. It is expected to result in an absent or disrupted protein product. Loss-of-function variants in BRCA1 are known to be pathogenic (PMID: 20104584). This variant is not present in population databases (gnomAD no frequency). This variant has not been reported in the literature in individuals affected with BRCA1-related conditions. ClinVar contains an entry for this variant (Variation ID: 54536). For these reasons, this variant has been classified as Pathogenic.

Baylor Genetics
Classification: Pathogenic for Breast-ovarian cancer, familial, susceptibility to, 1. Last evaluated: 2024-01-25. Review status: criteria provided, single submitter. Criteria: ACMG Guidelines, 2015. Collection method: clinical testing. Allele origin: unknown. Not counted in ClinVar's aggregate classification.

Ambry Genetics
Classification: Pathogenic for Hereditary cancer-predisposing syndrome. Last evaluated: 2022-12-09. Review status: criteria provided, single submitter. Criteria: Ambry Variant Classification Scheme 2023. Collection method: clinical testing. Allele origin: germline. Not counted in ClinVar's aggregate classification.
Comment: The c.2329delT pathogenic mutation, located in coding exon 9 of the BRCA1 gene, results from a deletion of one nucleotide at nucleotide position 2329, causing a translational frameshift with a predicted alternate stop codon (p.Y777Mfs*15). This alteration was identified in a large, worldwide study of BRCA1/2 mutation positive families and in a individual who was referred for whole exome sequencing (LaDuca H et al. PLoS ONE, 2017 Feb;12:e0170843; Rebbeck TR et al. Hum. Mutat., 2018 05;39:593-620). In addition to the clinical data presented in the literature, this alteration is expected to result in loss of function by premature protein truncation or nonsense-mediated mRNA decay. As such, this alteration is interpreted as a disease-causing mutation.

Color Diagnostics, LLC DBA Color Health
Classification: Pathogenic for Hereditary cancer-predisposing syndrome. Last evaluated: 2019-07-22. Review status: criteria provided, single submitter. Criteria: ACMG Guidelines, 2015. Collection method: clinical testing. Allele origin: germline. Not counted in ClinVar's aggregate classification.
Comment: This variant deletes 1 nucleotide in exon 10 of the BRCA1 gene, creating a frameshift and premature translation stop signal. This variant is expected to result in an absent or non-functional protein product. Computational splicing tools suggest that this variant may not impact RNA splicing. To our knowledge, functional assays have not been performed for this variant nor has this variant been reported in individuals affected with hereditary cancer in the literature. This variant has not been identified in the general population by the Genome Aggregation Database (gnomAD). Loss of BRCA1 function is a known mechanism of disease. Based on available evidence, this variant is classified as Pathogenic.

Consortium of Investigators of Modifiers of BRCA1/2 (CIMBA), c/o University of Cambridge
Classification: Pathogenic for Breast-ovarian cancer, familial, susceptibility to, 1. Last evaluated: 2015-10-02. Review status: criteria provided, single submitter. Criteria: CIMBA Mutation Classification guidelines May 2016. Collection method: clinical testing. Allele origin: germline. Not counted in ClinVar's aggregate classification.

Breast Cancer Information Core (BIC) (BRCA1)
Classification: Pathogenic for Breast-ovarian cancer, familial 1. Last evaluated: 2004-02-20. Review status: no assertion criteria provided. Collection method: clinical testing. Allele origin: germline. Affected: yes. Observed: 3 variant alleles. Not counted in ClinVar's aggregate classification.

Literature cited by the submitters: PubMed 20104584 (cited by Labcorp Genetics (formerly Invitae), Labcorp); PubMed 28152038 (cited by Ambry Genetics); PubMed 29446198 (cited by Ambry Genetics).